The following is an entry in ClinVar:

NM_014314.4(RIGI):c.539A>G (p.Asn180Ser)

Gene: RIGI (RNA sensor RIG-I; minus strand). Cytogenetic location: 9p21.1.
Variant type: single nucleotide variant.
Coding change: c.539A>G on transcript NM_014314.4 (MANE Select); coding-DNA position 539, A replaced by G.
Protein change: p.Asn180Ser; replaces asparagine 180 with serine.
Molecular consequence: missense variant. On other transcripts: intron variant (1).
Genome position (GRCh38, 1-based): chr9:32,492,423, T>C on the plus strand (A>G on the coding strand, the complement: RIGI is on the minus strand). VCF-style: chr9-32492423-T-C. GRCh37 (hg19) VCF-style: chr9-32492421-T-C.
Other names: c.539A>G, p.Asn180Ser (NM_001385907.1, NM_001385909.1); c.98A>G, p.Asn33Ser (NM_001385910.1, NM_001385914.1); c.524A>G, p.Asn175Ser (NM_001385913.1); c.-38-1003A>G (NM_001385912.1); short protein forms N180S, N33S, N175S.
Identifiers: ClinVar variation 1432722 (VCV001432722.6), dbSNP rs775496086, ClinGen allele CA5020056.

ClinVar aggregate classification (germline): Conflicting classifications of pathogenicity. Review status: criteria provided, conflicting classifications (1 of 4 stars). 2 submissions from 2 submitters: Uncertain significance (1); Likely benign (1). Last evaluated 2025-11-27.

Allele frequency attached by ClinVar (database versions not stated): ExAC 0.00002; gnomAD 0.00003; gnomAD exomes 0.00003; TOPMed 0.00004.
gnomAD v4.1: 47 of 1,614,188 alleles (0.0029%); highest among the groups gnomAD compares: Admixed American, 0.0083%; no homozygotes.

Submissions (2):

Labcorp Genetics (formerly Invitae), Labcorp
Classification: Uncertain significance. Last evaluated: 2025-11-27. Review status: criteria provided, single submitter. Criteria: Invitae Variant Classification Sherloc (09022015). Collection method: clinical testing. Allele origin: germline.
Comment: This sequence change replaces asparagine, which is neutral and polar, with serine, which is neutral and polar, at codon 180 of the DDX58 protein (p.Asn180Ser). This variant is present in population databases (rs775496086, gnomAD 0.004%). This variant has not been reported in the literature in individuals affected with DDX58-related conditions. ClinVar contains an entry for this variant (Variation ID: 1432722). An algorithm developed to predict the effect of missense changes on protein structure and function outputs the following: PolyPhen-2: "Benign". The serine amino acid residue is found in multiple mammalian species, which suggests that this missense change does not adversely affect protein function. In summary, the available evidence is currently insufficient to determine the role of this variant in disease. Therefore, it has been classified as a Variant of Uncertain Significance.

Blueprint Genetics
Classification: Likely benign. Last evaluated: 2024-06-19. Review status: criteria provided, single submitter. Criteria: ACMG Guidelines, 2015. Collection method: clinical testing. Allele origin: germline.